The following is an entry in ClinVar:

NM_001048174.2(MUTYH):c.420+34C>T

Gene: MUTYH (mutY DNA glycosylase; minus strand). Cytogenetic location: 1p34.1.
Variant type: single nucleotide variant.
Coding change: c.420+34C>T on transcript NM_001048174.2 (MANE Select); 34 bases into the intron after coding-DNA position 420, C replaced by T.
Molecular consequence: intron variant.
Genome position (GRCh38, 1-based): chr1:45,332,884, G>A on the plus strand (C>T on the coding strand, the complement: MUTYH is on the minus strand). VCF-style: chr1-45332884-G-A. GRCh37 (hg19) VCF-style: chr1-45798556-G-A.
Other names: c.504+34C>T (NM_001128425.1, NM_001128425.2); c.75+34C>T (NM_001350651.2, NM_001350650.2); c.144+34C>T (NM_001293192.2, NM_001293196.2); c.420+34C>T (NM_001048171.2, NM_001048173.2, NM_001293195.2); c.465+34C>T (NM_001293190.2); c.495+34C>T (NM_012222.3); c.423+34C>T (NM_001048172.2); c.453+34C>T (NM_001293191.2).
Identifiers: ClinVar variation 1697949 (VCV001697949.9), dbSNP rs556365985, ClinGen allele CA058023.

ClinVar aggregate classification (germline): Likely benign. Review status: criteria provided, single submitter (1 of 4 stars). 2 submissions from 2 submitters: Likely benign (1). 1 of the submissions does not count toward it. Last evaluated 2025-03-04.

Conditions:
MUTYH-related disorder. Also called: MUTYH-related condition; MUTYH-related disorders.

Allele frequency attached by ClinVar (database versions not stated): TOPMed 0.00002; ExAC 0.00003; gnomAD exomes 0.00003; 1000 Genomes Project 30x 0.00016; 1000 Genomes Project 0.00020.
gnomAD v4.1: 78 of 1,614,034 alleles (0.0048%); highest among the groups gnomAD compares: South Asian, 0.0077%; no homozygotes.

Submissions (2):

Center for Genomic Medicine, Rigshospitalet, Copenhagen University Hospital
Classification: Likely benign. Last evaluated: 2025-03-04. Review status: criteria provided, single submitter. Criteria: ACMG Guidelines, 2015. Collection method: clinical testing. Allele origin: germline.

PreventionGenetics, part of Exact Sciences
Classification: Likely benign for MUTYH-related condition. Last evaluated: 2019-11-15. Review status: no assertion criteria provided. Collection method: clinical testing. Allele origin: germline. Not counted in ClinVar's aggregate classification.
Comment: This variant is classified as likely benign based on ACMG/AMP sequence variant interpretation guidelines (Richards et al. 2015 PMID: 25741868, with internal and published modifications).